The following is an entry in ClinVar:

NM_000430.4(PAFAH1B1):c.254T>A (p.Leu85His)

Gene: PAFAH1B1 (platelet activating factor acetylhydrolase 1b regulatory subunit 1; plus strand). Cytogenetic location: 17p13.3.
Variant type: single nucleotide variant.
Coding change: c.254T>A on transcript NM_000430.4 (MANE Select); coding-DNA position 254, T replaced by A.
Protein change: p.Leu85His; replaces leucine 85 with histidine.
Molecular consequence: missense variant.
Genome position (GRCh38, 1-based): chr17:2,667,053, T>A. VCF-style: chr17-2667053-T-A. GRCh37 (hg19) VCF-style: chr17-2570347-T-A.
Other names: short protein forms L85H.
Identifiers: ClinVar variation 2161309 (VCV002161309.4), dbSNP rs1183035372, ClinGen allele CA397638652.

ClinVar aggregate classification (germline): Uncertain significance (1 of 4 stars; one submission).

Allele frequency attached by ClinVar (database versions not stated): TOPMed 0.00001.

Submission:

Labcorp Genetics (formerly Invitae), Labcorp
Classification: Uncertain significance. Last evaluated: 2022-02-25. Review status: criteria provided, single submitter. Criteria: Invitae Variant Classification Sherloc (09022015). Collection method: clinical testing. Allele origin: germline.
Comment: In summary, the available evidence is currently insufficient to determine the role of this variant in disease. Therefore, it has been classified as a Variant of Uncertain Significance. Algorithms developed to predict the effect of missense changes on protein structure and function are either unavailable or do not agree on the potential impact of this missense change (SIFT: "Deleterious"; PolyPhen-2: "Benign"; Align-GVGD: "Class C0"). This variant has not been reported in the literature in individuals affected with PAFAH1B1-related conditions. This variant is not present in population databases (gnomAD no frequency). This sequence change replaces leucine, which is neutral and non-polar, with histidine, which is basic and polar, at codon 85 of the PAFAH1B1 protein (p.Leu85His).